The following is an entry in ClinVar:

NM_001040142.2(SCN2A):c.468G>C (p.Lys156Asn)

Gene: SCN2A (sodium voltage-gated channel alpha subunit 2; plus strand). Cytogenetic location: 2q24.3.
Variant type: single nucleotide variant.
Coding change: c.468G>C on transcript NM_001040142.2 (MANE Select); coding-DNA position 468, G replaced by C.
Protein change: p.Lys156Asn; replaces lysine 156 with asparagine.
Molecular consequence: missense variant.
Genome position (GRCh38, 1-based): chr2:165,307,929, G>C. VCF-style: chr2-165307929-G-C. GRCh37 (hg19) VCF-style: chr2-166164439-G-C.
Other names: NM_001040142.2(SCN2A):c.468G>C; p.Lys156Asn; c.468G>C, p.Lys156Asn (NM_001040143.2, NM_001371246.1, NM_001371247.1 and 1 more transcripts); short protein forms K156N.
Identifiers: ClinVar variation 3343696 (VCV003343696.3).

ClinVar aggregate classification (germline): Pathogenic. Review status: reviewed by expert panel (3 of 4 stars). 2 submissions from 2 submitters: Pathogenic (1). 1 of the submissions does not count toward it. Last evaluated 2026-02-24.

Conditions:
Complex neurodevelopmental disorder. Identifiers: Orphanet 528084, MedGen C5568766, MONDO:0100038.

Submissions (2):

ClinGen Epilepsy Sodium Channel Variant Curation Expert Panel, Clingen
Classification: Pathogenic for Complex neurodevelopmental disorder. Last evaluated: 2026-02-24. Review status: reviewed by expert panel. Criteria: ClinGen EpilepsySCN ACMG Specifications SCN2A V2.0.0. Collection method: curation. Allele origin: germline. Inheritance: Autosomal dominant inheritance.
Comment: The c.468G>C variant in SCN2A is a missense variant predicted to cause substitution of Lysine by Asparagine at amino acid 156 (p.Lys156Asn). This variant has been identified as a de novo occurrence with confirmed parental relationships in 1 individual and as a de novo occurrence with unconfirmed parental relationships in 2 individuals with complex neurodevelopmental disorder (PS2_moderate, PM6; PMID 37152433 and Internal lab contributors). This variant is absent from gnomAD v4.1.0 (PM2_Supporting). Whole cell patch clamp experiments in HEK-293 cells showed that the p.Lys156Asn variant reduced sodium current density, delayed activation and accelerated inactivation process of sodium channel indicating that this variant impacts protein function (PMID 37152433)(PS3). The computational predictor REVEL gives a score of 0.806, which is above the threshold of 0.644, evidence that correlates with impact to SCN2A function (PP3_moderate). Three different missense variants, c.468G>T (p.Lys156Asn), c.466A>C (p.Lys156Gln), and c.466A>G (p.Lys156Glu), in the same codon have been previously reported, however, these variants were not considered in the interpretation. In summary, this variant meets the criteria to be classified as Pathogenic for autosomal dominant complex neurodevelopmental disorder based on the ACMG/AMP criteria applied, as specified by the ClinGen Epilepsy Sodium Channel VCEP: PS3, PP3_moderate, PM6, PS2_moderate, PM2_supporting. (Version 2.0.0; Jan. 16, 2026)

GeneDx
Classification: Pathogenic. Last evaluated: 2025-12-05. Review status: criteria provided, single submitter. Criteria: GeneDx Variant Classification Process June 2021. Collection method: clinical testing. Allele origin: germline. Not counted in ClinVar's aggregate classification.
Comment: Published functional studies demonstrate a damaging effect with reduced sodium current density, delayed activation, and accelerated inactivation process of sodium channel (PMID: 37152433); In silico analysis supports that this missense variant has a deleterious effect on protein structure/function; Not observed at significant frequency in large population cohorts (gnomAD); This substitution is predicted to be within the transmembrane segment S2 of the first homologous domain; This variant is associated with the following publications: (PMID: 37152433)